The following is an entry in ClinVar:

ClinVar aggregate classification (germline): Uncertain significance (1 of 4 stars; one submission).

Conditions:
Peroxisome biogenesis disorder 2B (PBD2B). Identifiers: Orphanet 44, MedGen C3550234, MONDO:0008736, OMIM 202370.

Allele frequency attached by ClinVar (database versions not stated): gnomAD exomes 0.00001; ExAC 0.00002.
gnomAD v4.1: 5 of 1,613,946 alleles (0.00031%); highest among the groups gnomAD compares: Non-Finnish European, 0.00034%; no homozygotes.

Submission:

Labcorp Genetics (formerly Invitae), Labcorp
Classification: Uncertain significance for Peroxisome biogenesis disorder 2B. Last evaluated: 2022-07-04. Review status: criteria provided, single submitter. Criteria: Invitae Variant Classification Sherloc (09022015). Collection method: clinical testing. Allele origin: germline.
Comment: This sequence change replaces leucine, which is neutral and non-polar, with proline, which is neutral and non-polar, at codon 123 of the PEX5 protein (p.Leu123Pro). This variant is present in population databases (rs777324636, gnomAD 0.003%). This variant has not been reported in the literature in individuals affected with PEX5-related conditions. ClinVar contains an entry for this variant (Variation ID: 1389214). Algorithms developed to predict the effect of missense changes on protein structure and function are either unavailable or do not agree on the potential impact of this missense change (SIFT: "Tolerated"; PolyPhen-2: "Possibly Damaging"; Align-GVGD: "Class C0"). In summary, the available evidence is currently insufficient to determine the role of this variant in disease. Therefore, it has been classified as a Variant of Uncertain Significance.

NM_001351132.2(PEX5):c.368T>C (p.Leu123Pro)

Gene: PEX5 (peroxisomal biogenesis factor 5; plus strand). Cytogenetic location: 12p13.31.
Variant type: single nucleotide variant.
Coding change: c.368T>C on transcript NM_001351132.2 (MANE Select); coding-DNA position 368, T replaced by C.
Protein change: p.Leu123Pro; replaces leucine 123 with proline.
Molecular consequence: missense variant.
Genome position (GRCh38, 1-based): chr12:7,191,620, T>C. VCF-style: chr12-7191620-T-C. GRCh37 (hg19) VCF-style: chr12-7344216-T-C.
Other names: c.368T>C, p.Leu123Pro (NM_000319.5, NM_001131024.2, NM_001131025.2 and 19 more transcripts); c.413T>C, p.Leu138Pro (NM_001131023.2, NM_001351135.3, NM_001351138.2); short protein forms L123P, L138P.
Identifiers: ClinVar variation 1389214 (VCV001389214.5), dbSNP rs777324636, ClinGen allele CA6426120.